The following is an entry in ClinVar:

ClinVar aggregate classification (germline): Conflicting classifications of pathogenicity. Review status: criteria provided, conflicting classifications (1 of 4 stars). 3 submissions from 3 submitters: Uncertain significance (2); Likely benign (1). Last evaluated 2026-02-04.

Conditions:
Chuvash polycythemia. Also called: POLYCYTHEMIA, VHL-DEPENDENT. Identifiers: Orphanet 238557, MedGen C1837915, MONDO:0009892, OMIM 263400.
Von Hippel-Lindau syndrome (VHLS). Also called: Von Hippel-Lindau; von Hippel–Lindau syndrome; VHL syndrome. Identifiers: Orphanet 892, MedGen C0019562, MONDO:0008667, OMIM 193300. Disease mechanism: loss of function.
Hereditary cancer-predisposing syndrome. Also called: Hereditary neoplastic syndrome; Tumor predisposition; Neoplastic Syndromes, Hereditary; Hereditary Cancer Syndrome. Identifiers: Orphanet 140162, MedGen C0027672, MeSH D009386, MONDO:0015356.

Allele frequency attached by ClinVar (database versions not stated): gnomAD exomes below 0.00001.
gnomAD v4.1: 1 of 1,614,150 alleles (0.000062%); highest among the groups gnomAD compares: Admixed American, 0.0017%; no homozygotes.

Submissions (3):

Labcorp Genetics (formerly Invitae), Labcorp
Classification: Uncertain significance for Von Hippel-Lindau syndrome; Chuvash polycythemia. Last evaluated: 2026-02-04. Review status: criteria provided, single submitter. Criteria: Invitae Variant Classification Sherloc (09022015). Collection method: clinical testing. Allele origin: germline.
Comment: This sequence change replaces glutamic acid, which is acidic and polar, with glutamine, which is neutral and polar, at codon 160 of the VHL protein (p.Glu160Gln). This variant is not present in population databases (gnomAD no frequency). This variant has not been reported in the literature in individuals affected with VHL-related conditions. ClinVar contains an entry for this variant (Variation ID: 958243). Invitae Evidence Modeling of protein sequence and biophysical properties (such as structural, functional, and spatial information, amino acid conservation, physicochemical variation, residue mobility, and thermodynamic stability) indicates that this missense variant is expected to disrupt VHL protein function with a positive predictive value of 95%. In summary, the available evidence is currently insufficient to determine the role of this variant in disease. Therefore, it has been classified as a Variant of Uncertain Significance.

Ambry Genetics
Classification: Likely benign for Hereditary cancer-predisposing syndrome. Last evaluated: 2024-10-03. Review status: criteria provided, single submitter. Criteria: Ambry Variant Classification Scheme 2023. Collection method: clinical testing. Allele origin: germline.

Quest Diagnostics Nichols Institute San Juan Capistrano
Classification: Uncertain significance. Last evaluated: 2021-08-05. Review status: criteria provided, single submitter. Criteria: Quest Diagnostics criteria. Collection method: clinical testing. Allele origin: unknown.

Literature cited by the submitters: PubMed 38969834 (cited by Ambry Genetics).

NM_000551.4(VHL):c.478G>C (p.Glu160Gln)

Genes: VHL (von Hippel-Lindau tumor suppressor; plus strand), LOC107303340 (3p25 von Hippel-Lindau tumor suppressor, E3 ubiquitin protein ligase Alu-mediated recombination region; plus strand). Cytogenetic location: 3p25.3.
Variant type: single nucleotide variant.
Coding change: c.478G>C on transcript NM_000551.4 (MANE Select); coding-DNA position 478, G replaced by C.
Protein change: p.Glu160Gln; replaces glutamic acid 160 with glutamine.
Molecular consequence: missense variant. On other transcripts: 3 prime UTR variant (1).
Genome position (GRCh38, 1-based): chr3:10,149,801, G>C. VCF-style: chr3-10149801-G-C. GRCh37 (hg19) VCF-style: chr3-10191485-G-C.
Other names: c.*32G>C (NM_001354723.2); c.355G>C, p.Glu119Gln (NM_198156.3); short protein forms E119Q, E160Q.
Identifiers: ClinVar variation 958243 (VCV000958243.10), dbSNP rs1696354965, ClinGen allele CA351756093.